The following is an entry in ClinVar:

ClinVar aggregate classification (germline): Pathogenic/Likely pathogenic. Review status: criteria provided, multiple submitters, no conflicts (2 of 4 stars). 5 submissions from 5 submitters: Pathogenic (1); Likely pathogenic (3). 1 of the submissions does not count toward it. Last evaluated 2024-11-02.

Conditions:
Stormorken syndrome (STRMK). Also called: THROMBOCYTOPATHY, ASPLENIA, AND MIOSIS. Identifiers: Orphanet 3204, MedGen C1861451, MONDO:0008497, OMIM 185070.
Combined immunodeficiency due to STIM1 deficiency. Also called: STIM1 DEFICIENCY; IMMUNODEFICIENCY 10. Identifiers: Orphanet 169090, Orphanet 317430, MedGen C2748557, MONDO:0013008, OMIM 612783.
Myopathy with tubular aggregates (TAM). Also called: Tubular Aggregate Myopathy. Identifiers: Orphanet 2593, MedGen C0410207, MONDO:0008051.

Submissions (5):

GeneDx
Classification: Pathogenic. Last evaluated: 2024-11-02. Review status: criteria provided, single submitter. Criteria: GeneDx Variant Classification Process June 2021. Collection method: clinical testing. Allele origin: germline. Affected: yes.
Comment: Apparently de novo variant in a patient with clinical features consistent with STIM1-related myopathy in the published literature (PMID: 28624464, 31561939, 31448844); Not observed at significant frequency in large population cohorts (gnomAD); In silico analysis supports that this missense variant has a deleterious effect on protein structure/function; This variant is associated with the following publications: (PMID: 35636153, 31561939, 33250786, 31448844, 28624464)

Labcorp Genetics (formerly Invitae), Labcorp
Classification: Likely pathogenic for Myopathy with tubular aggregates; Combined immunodeficiency due to STIM1 deficiency; Stormorken syndrome. Last evaluated: 2024-09-29. Review status: criteria provided, single submitter. Criteria: Invitae Variant Classification Sherloc (09022015). Collection method: clinical testing. Allele origin: germline.
Comment: This sequence change replaces serine, which is neutral and polar, with glycine, which is neutral and non-polar, at codon 88 of the STIM1 protein (p.Ser88Gly). This variant is not present in population databases (gnomAD no frequency). This missense change has been observed in individual(s) with clinical features of autosomal dominant STIM1-related conditions (PMID: 28624464; internal data). In at least one individual the variant was observed to be de novo. ClinVar contains an entry for this variant (Variation ID: 1395833). Invitae Evidence Modeling of protein sequence and biophysical properties (such as structural, functional, and spatial information, amino acid conservation, physicochemical variation, residue mobility, and thermodynamic stability) has been performed for this missense variant. However, the output from this modeling did not meet the statistical confidence thresholds required to predict the impact of this variant on STIM1 protein function. In summary, the currently available evidence indicates that the variant is pathogenic, but additional data are needed to prove that conclusively. Therefore, this variant has been classified as Likely Pathogenic.

Clinical Genetics Laboratory, Skane University Hospital Lund
Classification: Likely pathogenic. Last evaluated: 2022-05-27. Review status: criteria provided, single submitter. Criteria: ACMG Guidelines, 2015. Collection method: clinical testing. Allele origin: germline. Affected: yes.

Harry Perkins Institute Of Medical Research, University Of Western Australia
Classification: Likely pathogenic. Review status: criteria provided, single submitter. Criteria: ACMG Guidelines, 2015. Collection method: research. Allele origin: de novo. Inheritance: Autosomal dominant inheritance. Affected: yes.
Comment: PP5_strong (Strong: ClinVar classifies this variant as Pathogenic, 2 stars (reviewed Feb '26, 4 submissions of which 2 are from high confidence submitters, Accession: VCV001395833.10)), PM1_moderate (Hot-spot of length 17 amino-acids has 13 missense/in-frame variants (5 pathogenic variants, 8 uncertain variants, and no benign), which qualifies as moderate pathogenic. UniProt protein STIM1_HUMAN domain 'EF-hand 1' has 25 missense/in-frame variants (10 pathogenic variants, 15 uncertain variants, and no benign), which qualifies as moderate pathogenic.), PM2_supporting (Variant not found in gnomAD genomes, good gnomAD genomes coverage = 31.4.Variant not found in gnomAD exomes, good gnomAD exomes coverage = 46.0.), PP3_supporting (AlphaMissense = 0.904 is between 0.621 and 0.926 ⇒ supporting pathogenic.)

Laboratory of Molecular Genetics, Hospital Puerta de Hierro-Majadahonda
Classification: Pathogenic for Stormorken syndrome. Last evaluated: 2022-09-05. Review status: no assertion criteria provided. Collection method: clinical testing. Allele origin: de novo. Inheritance: Autosomal dominant inheritance. Affected: yes. Not counted in ClinVar's aggregate classification.

Literature cited by the submitters: PubMed 28624464 (cited by Labcorp Genetics (formerly Invitae), Labcorp and Harry Perkins Institute Of Medical Research, University Of Western Australia); DOI 10.1016/j.nmd.2017.05.002 (cited by Laboratory of Molecular Genetics, Hospital Puerta de Hierro-Majadahonda).

NM_001382567.1(STIM1):c.262A>G (p.Ser88Gly)

Gene: STIM1 (stromal interaction molecule 1; plus strand). Cytogenetic location: 11p15.4.
Variant type: single nucleotide variant.
Coding change: c.262A>G on transcript NM_001382567.1 (MANE Select); coding-DNA position 262, A replaced by G.
Protein change: p.Ser88Gly; replaces serine 88 with glycine.
Molecular consequence: missense variant. On other transcripts: non-coding transcript variant (3), intron variant (4).
Genome position (GRCh38, 1-based): chr11:3,967,674, A>G. VCF-style: chr11-3967674-A-G. GRCh37 (hg19) VCF-style: chr11-3988904-A-G.
Other names: c.40A>G, p.Ser14Gly (NM_001382573.1, NM_001382574.1, NM_001382575.1 and 5 more transcripts); c.262A>G, p.Ser88Gly (NM_003156.4, NM_001277961.3, NM_001277962.2 and 3 more transcripts); c.-219-56199A>G (NM_001382580.1, NM_001382581.1); c.136-56199A>G (NM_001382569.1); c.-98-56199A>G (NM_001382571.1); c.262A>G (NM_003156.3); short protein forms S14G, S88G.
Identifiers: ClinVar variation 1395833 (VCV001395833.11), dbSNP rs2135736648, ClinGen allele CA379485113.
Genomic context (GRCh38, chr11:3,967,674, plus strand): 5'-GTCCGTAACATCCACAAACTGATGGACGATGATGCCAATGGTGATGTGGATGTGGAAGAA[A>G]GTGATGAGGTGAGCTCTCCCATCCTGCTATGTCTCTCTTTTCTTCCTGTGTGAATTAGTC-3'
Protein context (NP_001369496.1, residues 78-98): DANGDVDVEE[Ser88Gly]DEFLREDLNY